The following is an entry in ClinVar:

NM_021009.7(UBC):c.321G>A (p.Gln107=)

Gene: UBC (ubiquitin C; minus strand). Cytogenetic location: 12q24.31.
Variant type: single nucleotide variant.
Coding change: c.321G>A on transcript NM_021009.7 (MANE Select); coding-DNA position 321, G replaced by A.
Protein change: p.Gln107=; no amino-acid change (glutamine 107 retained).
Molecular consequence: synonymous variant.
Genome position (GRCh38, 1-based): chr12:124,913,451, C>T on the plus strand (G>A on the coding strand, the complement: UBC is on the minus strand). VCF-style: chr12-124913451-C-T. GRCh37 (hg19) VCF-style: chr12-125397997-C-T.
Identifiers: ClinVar variation 4086026 (VCV004086026.8).
Genomic context (GRCh38, chr12:124,913,451, plus strand): 5'-TTCCAGCTGCTTTCCGGCAAAGATCAACCTCTGCTGGTCAGGAGGAATGCCTTCCTTGTC[C>T]TGGATCTTTGCTTTGACGTTCTCGATGGTGTCACTGGGCTCGACCTCAAGGGTGATGGTC-3'
Protein context (NP_066289.3, residues 97-117): DTIENVKAKI[Gln107=]DKEGIPPDQQ

ClinVar aggregate classification (germline): Likely benign (1 of 4 stars; one submission).

Submission:

CeGaT Center for Human Genetics Tuebingen
Classification: Likely benign. Last evaluated: 2025-06-01. Review status: criteria provided, single submitter. Criteria: CeGaT Center For Human Genetics Tuebingen Variant Classification Criteria Version 2. Collection method: clinical testing. Allele origin: germline. Affected: yes. Observed: 1 variant allele.
Comment: UBC: BP4, BP7